The following is an entry in ClinVar:

NM_015910.7(WDPCP):c.1267A>G (p.Arg423Gly)

Gene: WDPCP (WD repeat containing planar cell polarity effector; minus strand). Cytogenetic location: 2p15.
Variant type: single nucleotide variant.
Coding change: c.1267A>G on transcript NM_015910.7 (MANE Select); coding-DNA position 1267, A replaced by G.
Protein change: p.Arg423Gly; replaces arginine 423 with glycine.
Molecular consequence: missense variant. On other transcripts: non-coding transcript variant (3).
Genome position (GRCh38, 1-based): chr2:63,404,216, T>C on the plus strand (A>G on the coding strand, the complement: WDPCP is on the minus strand). VCF-style: chr2-63404216-T-C. GRCh37 (hg19) VCF-style: chr2-63631351-T-C.
Other names: c.790A>G, p.Arg264Gly (NM_001042692.3); c.1195A>G, p.Arg399Gly (NM_001354044.2); c.1267A>G, p.Arg423Gly (NM_001354045.2); short protein forms R423G, R264G, R399G.
Identifiers: ClinVar variation 957057 (VCV000957057.9), dbSNP rs745555236, ClinGen allele CA1682262.

ClinVar aggregate classification (germline): Uncertain significance. Review status: criteria provided, multiple submitters, no conflicts (2 of 4 stars). 3 submissions from 3 submitters: Uncertain significance (2). 1 of the submissions does not count toward it. Last evaluated 2024-02-27.

Conditions:
Bardet-Biedl syndrome (BBS). Identifiers: Orphanet 110, MedGen C0752166, MONDO:0015229.
WDPCP-related disorder. Also called: WDPCP-related condition.
Inborn genetic diseases. Identifiers: MedGen C0950123, MeSH D030342.

Allele frequency attached by ClinVar (database versions not stated): gnomAD exomes below 0.00001 and 0.00001; ExAC 0.00001; gnomAD 0.00001; TOPMed 0.00001.
gnomAD v4.1: 10 of 1,613,708 alleles (0.00062%); highest among the groups gnomAD compares: Middle Eastern, 0.033%; no homozygotes.

Submissions (3):

Ambry Genetics
Classification: Uncertain significance for Inborn genetic diseases. Last evaluated: 2024-02-27. Review status: criteria provided, single submitter. Criteria: Ambry Variant Classification Scheme 2023. Collection method: clinical testing. Allele origin: germline.

Labcorp Genetics (formerly Invitae), Labcorp
Classification: Uncertain significance for Bardet-Biedl syndrome. Last evaluated: 2024-02-24. Review status: criteria provided, single submitter. Criteria: Invitae Variant Classification Sherloc (09022015). Collection method: clinical testing. Allele origin: germline.
Comment: This sequence change replaces arginine, which is basic and polar, with glycine, which is neutral and non-polar, at codon 423 of the WDPCP protein (p.Arg423Gly). This variant is present in population databases (rs745555236, gnomAD 0.01%). This variant has not been reported in the literature in individuals affected with WDPCP-related conditions. ClinVar contains an entry for this variant (Variation ID: 957057). Advanced modeling of protein sequence and biophysical properties (such as structural, functional, and spatial information, amino acid conservation, physicochemical variation, residue mobility, and thermodynamic stability) performed at Invitae indicates that this missense variant is not expected to disrupt WDPCP protein function with a negative predictive value of 80%. In summary, the available evidence is currently insufficient to determine the role of this variant in disease. Therefore, it has been classified as a Variant of Uncertain Significance.

PreventionGenetics, part of Exact Sciences
Classification: Uncertain significance for WDPCP-related condition. Last evaluated: 2024-08-09. Review status: no assertion criteria provided. Collection method: clinical testing. Allele origin: germline. Not counted in ClinVar's aggregate classification.
Comment: The WDPCP c.1267A>G variant is predicted to result in the amino acid substitution p.Arg423Gly. To our knowledge, this variant has not been reported in the literature. This variant is absent from the seven main population groups in gnomAD At this time, the clinical significance of this variant is uncertain due to the absence of conclusive functional and genetic evidence.